The following is an entry in ClinVar:

ClinVar aggregate classification (germline): Pathogenic/Likely pathogenic. Review status: criteria provided, multiple submitters, no conflicts (2 of 4 stars). 3 submissions from 3 submitters: Pathogenic (2); Likely pathogenic (1). Last evaluated 2025-01-16.

Conditions:
Thrombophilia due to protein S deficiency, autosomal recessive (THPH6). Identifiers: Orphanet 743, MedGen C3281092, MONDO:0013791, OMIM 614514. Disease mechanism: loss of function.
Thrombophilia due to protein S deficiency, autosomal dominant (THPH5). Identifiers: Orphanet 26349, Orphanet 743, MedGen C3278211, MONDO:0012868, OMIM 612336. Disease mechanism: loss of function.

Allele frequency attached by ClinVar (database versions not stated): gnomAD exomes 0.00001 and 0.00002; ExAC 0.00002; gnomAD 0.00003; TOPMed 0.00003.
gnomAD v4.1: 13 of 1,609,262 alleles (0.00081%); highest among the groups gnomAD compares: East Asian, 0.0067%; no homozygotes.

Submissions (3):

Mayo Clinic Laboratories, Mayo Clinic
Classification: Pathogenic. Last evaluated: 2025-01-16. Review status: criteria provided, single submitter. Criteria: ACMG Guidelines, 2015. Collection method: clinical testing. Allele origin: germline. Observed: 2 variant alleles.
Comment: PP4_very_strong, PM1_supporting, PM3, PS3_moderate

Labcorp Genetics (formerly Invitae), Labcorp
Classification: Pathogenic for Thrombophilia due to protein S deficiency, autosomal recessive. Last evaluated: 2021-10-27. Review status: criteria provided, single submitter. Criteria: Invitae Variant Classification Sherloc (09022015). Collection method: clinical testing. Allele origin: germline.
Comment: For these reasons, this variant has been classified as Pathogenic. Experimental studies have shown that this missense change affects PROS1 function (PMID: 31422373). Algorithms developed to predict the effect of missense changes on protein structure and function are either unavailable or do not agree on the potential impact of this missense change (SIFT: "Deleterious"; PolyPhen-2: "Benign"; Align-GVGD: "Class C15"). ClinVar contains an entry for this variant (Variation ID: 219837). This variant is also known as R520W. This missense change has been observed in individuals with protein S deficiency (PMID: 15978566, 23813890, 30669159, 31422373). This variant is present in population databases (rs121918476, gnomAD 0.02%). This sequence change replaces arginine, a(n) basic and polar amino acid, with tryptophan, a(n) neutral and slightly polar amino acid, at codon 561 of the PROS1 protein (p.Arg561Trp).

Juno Genomics, Hangzhou Juno Genomics, Inc
Classification: Likely pathogenic for Thrombophilia due to protein S deficiency, autosomal dominant; Thrombophilia due to protein S deficiency, autosomal recessive. Review status: criteria provided, single submitter. Criteria: ACMG Guidelines, 2015. Collection method: clinical testing. Allele origin: germline.
Comment: Absent from controls (or at extremely low frequency if recessive) in Genome Aggregation Database.;Multiple lines of computational evidence support a deleterious effect on the gene or gene product.;The prevalence of the variant in affected individuals is significantly increased compared to the prevalence in controls.;For recessive disorders, detected in trans with a pathogenic variant.;Patient's phenotype or family history is highly specific for a disease with a single genetic etiology.

Literature cited by the submitters: PubMed 15978566 (cited by Mayo Clinic Laboratories, Mayo Clinic and Labcorp Genetics (formerly Invitae), Labcorp); PubMed 23813890 (cited by Mayo Clinic Laboratories, Mayo Clinic and Labcorp Genetics (formerly Invitae), Labcorp); PubMed 30669159 (cited by Mayo Clinic Laboratories, Mayo Clinic and Labcorp Genetics (formerly Invitae), Labcorp); PubMed 31422373 (cited by Mayo Clinic Laboratories, Mayo Clinic and Labcorp Genetics (formerly Invitae), Labcorp).

NM_000313.4(PROS1):c.1681C>T (p.Arg561Trp)

Gene: PROS1 (protein S; minus strand). Cytogenetic location: 3q11.1.
Variant type: single nucleotide variant.
Coding change: c.1681C>T on transcript NM_000313.4 (MANE Select); coding-DNA position 1681, C replaced by T.
Protein change: p.Arg561Trp; replaces arginine 561 with tryptophan.
Molecular consequence: missense variant.
Genome position (GRCh38, 1-based): chr3:93,877,155, G>A on the plus strand (C>T on the coding strand, the complement: PROS1 is on the minus strand). VCF-style: chr3-93877155-G-A. GRCh37 (hg19) VCF-style: chr3-93595999-G-A.
Other names: p.Arg561Trp; c.1777C>T, p.Arg593Trp (NM_001314077.2); short protein forms R593W, R561W.
Identifiers: ClinVar variation 219837 (VCV000219837.8), dbSNP rs121918476, ClinGen allele CA350250.